The following is an entry in ClinVar:

NM_182641.4(BPTF):c.613+9C>G

Genes: BPTF (bromodomain PHD finger transcription factor; plus strand), LOC130061496 (ATAC-STARR-seq lymphoblastoid active region 12632; plus strand). Cytogenetic location: 17q24.2.
Variant type: single nucleotide variant.
Coding change: c.613+9C>G on transcript NM_182641.4 (MANE Select); 9 bases into the intron after coding-DNA position 613, C replaced by G.
Molecular consequence: intron variant.
Genome position (GRCh38, 1-based): chr17:67,826,346, C>G. VCF-style: chr17-67826346-C-G. GRCh37 (hg19) VCF-style: chr17-65822462-C-G.
Other names: c.613+9C>G (NM_001439144.1, NM_001439143.1, NM_001439142.1 and 4 more transcripts).
Identifiers: ClinVar variation 4883386 (VCV004883386.2).
Genomic context (GRCh38, chr17:67,826,346, plus strand): 5'-TACTGCACGGAAAGCAGCTTCAGGAGCCATAGTACCTACAGCAGCACTCCAGGTACCCAC[C>G]CAGCCCAGTTGCTGCAGACTCCTTCCCCACCTCCTCTGCCCTCCCCCCTTGCTCACTCGT-3'

ClinVar aggregate classification (germline): Uncertain significance (1 of 4 stars; one submission).

Submission:

Dasa
Classification: Uncertain significance. Last evaluated: 2024-10-22. Review status: criteria provided, single submitter. Criteria: DASA Assertion Criteria. Collection method: clinical testing. Allele origin: germline.
Comment: NM_182641.4(BPTF):c.613+9C>G is a splice-region variant. This variant is absent from population databases. Computational prediction algorithms are consistent with a benign effect. The currently available literature and clinical evidence are not sufficient to establish a definitive association between this variant and the reported condition. Therefore, this variant is classified as a variant of uncertain significance.